The following is an entry in ClinVar:

NM_000393.5(COL5A2):c.1924-11T>C

Gene: COL5A2 (collagen type V alpha 2 chain; minus strand). Cytogenetic location: 2q32.2.
Variant type: single nucleotide variant.
Coding change: c.1924-11T>C on transcript NM_000393.5 (MANE Select); 11 bases into the intron before coding-DNA position 1924, T replaced by C.
Molecular consequence: intron variant.
Genome position (GRCh38, 1-based): chr2:189,062,929, A>G on the plus strand (T>C on the coding strand, the complement: COL5A2 is on the minus strand). VCF-style: chr2-189062929-A-G. GRCh37 (hg19) VCF-style: chr2-189927655-A-G.
Identifiers: ClinVar variation 2729644 (VCV002729644.3), dbSNP rs2469294833, ClinGen allele CA2586970978.

ClinVar aggregate classification (germline): Likely pathogenic (1 of 4 stars; one submission).

Conditions:
Ehlers-Danlos syndrome, classic type, 1 (EDSCL1). Also called: EHLERS-DANLOS SYNDROME, GRAVIS TYPE; EHLERS-DANLOS SYNDROME, SEVERE CLASSIC TYPE; Ehlers-Danlos syndrome, type 1; Ehlers-Danlos Syndrome, Classic Type, COL5A1-Related; EDS I. Identifiers: MedGen C0268335, MONDO:0019567, OMIM 130000.

Submission:

Labcorp Genetics (formerly Invitae), Labcorp
Classification: Likely pathogenic for Ehlers-Danlos syndrome, classic type, 1. Last evaluated: 2023-09-10. Review status: criteria provided, single submitter. Criteria: Invitae Variant Classification Sherloc (09022015). Collection method: clinical testing. Allele origin: germline.
Comment: Algorithms developed to predict the effect of sequence changes on RNA splicing suggest that this variant may disrupt the consensus splice site. In summary, the currently available evidence indicates that the variant is pathogenic, but additional data are needed to prove that conclusively. Therefore, this variant has been classified as Likely Pathogenic. This variant has been observed in individual(s) with Ehlers-Danlos syndrome (PMID: 28485813; Invitae). In at least one individual the variant was observed to be de novo. This sequence change falls in intron 28 of the COL5A2 gene. It does not directly change the encoded amino acid sequence of the COL5A2 protein. This variant is not present in population databases (gnomAD no frequency).

Literature cited by the submitters: PubMed 28485813.